The following is an entry in ClinVar:

NM_001875.5(CPS1):c.1468C>T (p.Gln490Ter)

Gene: CPS1 (carbamoyl-phosphate synthase 1; plus strand). Cytogenetic location: 2q34.
Variant type: single nucleotide variant.
Coding change: c.1468C>T on transcript NM_001875.5 (MANE Select); coding-DNA position 1468, C replaced by T.
Protein change: p.Gln490Ter; replaces glutamine 490 with a stop codon.
Molecular consequence: nonsense. On other transcripts: non-coding transcript variant (2).
Genome position (GRCh38, 1-based): chr2:210,599,480, C>T. VCF-style: chr2-210599480-C-T. GRCh37 (hg19) VCF-style: chr2-211464204-C-T.
Other names: c.1468C>T, p.Gln490Ter (NM_001122633.3, NM_001369257.1); c.1501C>T, p.Gln501Ter (NM_001369256.1); short protein forms Q490*, Q501*.
Identifiers: ClinVar variation 1455500 (VCV001455500.6), dbSNP rs777614848, ClinGen allele CA2086372.

ClinVar aggregate classification (germline): Pathogenic (1 of 4 stars; one submission).

Conditions:
Congenital hyperammonemia, type I. Also called: Carbamoyl phosphate synthetase I deficiency disease; CPS I DEFICIENCY; Carbamoyl-phosphate synthase I deficiency; Carbamoyl phosphate synthetase 1 deficiency; Hyperammonemia due to carbamoyl phosphate synthetase 1 deficiency; CPS 1 deficiency. Identifiers: Orphanet 147, MedGen C4082171, MONDO:0009376, OMIM 237300.

Allele frequency attached by ClinVar (database versions not stated): gnomAD exomes below 0.00001; ExAC 0.00001.
gnomAD v4.1: 1 of 1,612,600 alleles (0.000062%); highest among the groups gnomAD compares: Non-Finnish European, 0.000085%; no homozygotes.

Submission:

Labcorp Genetics (formerly Invitae), Labcorp
Classification: Pathogenic for Congenital hyperammonemia, type I. Last evaluated: 2021-08-13. Review status: criteria provided, single submitter. Criteria: Invitae Variant Classification Sherloc (09022015). Collection method: clinical testing. Allele origin: germline.
Comment: For these reasons, this variant has been classified as Pathogenic. This variant has not been reported in the literature in individuals affected with CPS1-related conditions. This variant is present in population databases (rs777614848, ExAC 0.002%). This sequence change creates a premature translational stop signal (p.Gln490*) in the CPS1 gene. It is expected to result in an absent or disrupted protein product. Loss-of-function variants in CPS1 are known to be pathogenic (PMID: 21120950).

Literature cited by the submitters: PubMed 21120950.